The following is an entry in ClinVar:

ClinVar aggregate classification (germline): Likely benign. Review status: reviewed by expert panel (3 of 4 stars). 11 submissions from 11 submitters: Likely benign (1). 10 of the submissions do not count toward it. Last evaluated 2017-06-29.

Conditions:
BRCA2-related disorder. Also called: BRCA2-related condition; BRCA2-related disorders. Identifiers: MedGen CN239275.
Hereditary cancer-predisposing syndrome. Also called: Tumor predisposition; Hereditary Cancer Syndrome; Hereditary neoplastic syndrome; Neoplastic Syndromes, Hereditary. Identifiers: Orphanet 140162, MedGen C0027672, MeSH D009386, MONDO:0015356.
Hereditary breast ovarian cancer syndrome. Also called: Breast and ovarian cancer; Hereditary breast and ovarian cancer syndrome; Hereditary breast and ovarian cancer; BRCA1- and BRCA2-Associated Hereditary Breast and Ovarian Cancer; Hereditary breast and ovarian cancer syndrome (HBOC); Hereditary breast and/or ovarian cancer syndrome. Identifiers: Orphanet 145, MedGen C0677776, MeSH D061325, MONDO:0003582. Disease mechanism: loss of function.
Breast-ovarian cancer, familial, susceptibility to, 2 (BROVCA2). Also called: BRCA2 Hereditary Breast and Ovarian Cancer. Identifiers: Orphanet 145, MedGen C2675520, MONDO:0012933, OMIM 612555. Disease mechanism: loss of function.
Malignant tumor of breast. Also called: Cancer breast; Malignant breast neoplasm. Identifiers: MedGen C0006142, MONDO:0007254. Disease mechanism: loss of function.

Allele frequency attached by ClinVar (database versions not stated): gnomAD exomes below 0.00001 and 0.00003; TOPMed below 0.00001; ExAC 0.00001; gnomAD 0.00001.
gnomAD v4.1: 40 of 1,614,030 alleles (0.0025%); highest among the groups gnomAD compares: Non-Finnish European, 0.0033%; no homozygotes.

Submissions (11):

Evidence-based Network for the Interpretation of Germline Mutant Alleles (ENIGMA)
Classification: Likely benign for Breast-ovarian cancer, familial, susceptibility to, 2. Last evaluated: 2017-06-29. Review status: reviewed by expert panel. Criteria: ENIGMA BRCA1/2 Classification Criteria (2017-06-29). Collection method: curation. Allele origin: germline.
Comment: Synonymous substitution variant, with low bioinformatic likelihood to result in a splicing aberration (Splicing prior probability 0.02).

Labcorp Genetics (formerly Invitae), Labcorp
Classification: Likely benign for Hereditary breast ovarian cancer syndrome. Last evaluated: 2025-09-02. Review status: criteria provided, single submitter. Criteria: Invitae Variant Classification Sherloc (09022015). Collection method: clinical testing. Allele origin: germline. Not counted in ClinVar's aggregate classification.

All of Us Research Program, National Institutes of Health
Classification: Likely benign for Breast-ovarian cancer, familial, susceptibility to, 2. Last evaluated: 2023-07-22. Review status: criteria provided, single submitter. Criteria: ACMG Guidelines, 2015. Collection method: clinical testing. Allele origin: germline. Inheritance: Autosomal dominant inheritance. Observed: 4 variant alleles, 4 heterozygotes. Not counted in ClinVar's aggregate classification.
Comment: This study involves interpretation of variants in research participants for the purpose of population health screening. Participant phenotype was not available at the time of variant classification. Additional details can be found in publication PMID: 35346344, PMCID: PMC8962531

Quest Diagnostics Nichols Institute San Juan Capistrano
Classification: Likely benign. Last evaluated: 2023-02-03. Review status: criteria provided, single submitter. Criteria: Quest Diagnostics criteria. Collection method: clinical testing. Allele origin: unknown. Not counted in ClinVar's aggregate classification.

Women's Health and Genetics/Laboratory Corporation of America, LabCorp
Classification: Likely benign. Last evaluated: 2019-08-21. Review status: criteria provided, single submitter. Criteria: LabCorp Variant Classification Summary - May 2015. Collection method: clinical testing. Allele origin: germline. Not counted in ClinVar's aggregate classification.

Color Diagnostics, LLC DBA Color Health
Classification: Likely benign for Hereditary cancer-predisposing syndrome. Last evaluated: 2017-08-21. Review status: criteria provided, single submitter. Criteria: ACMG Guidelines, 2015. Collection method: clinical testing. Allele origin: germline. Not counted in ClinVar's aggregate classification.

GeneDx
Classification: Benign. Last evaluated: 2015-09-15. Review status: criteria provided, single submitter. Criteria: GeneDx Variant Classification Process June 2021. Collection method: clinical testing. Allele origin: germline. Affected: yes. Not counted in ClinVar's aggregate classification.

Ambry Genetics
Classification: Likely benign for Hereditary cancer-predisposing syndrome. Last evaluated: 2014-08-21. Review status: criteria provided, single submitter. Criteria: Ambry Variant Classification Scheme 2023. Collection method: clinical testing. Allele origin: germline. Not counted in ClinVar's aggregate classification.

PreventionGenetics, part of Exact Sciences
Classification: Likely benign for BRCA2-related condition. Last evaluated: 2020-02-18. Review status: no assertion criteria provided. Collection method: clinical testing. Allele origin: germline. Not counted in ClinVar's aggregate classification.
Comment: This variant is classified as likely benign based on ACMG/AMP sequence variant interpretation guidelines (Richards et al. 2015 PMID: 25741868, with internal and published modifications).

Mayo Clinic Laboratories, Mayo Clinic
Classification: Likely benign. Last evaluated: 2018-01-02. Review status: no assertion criteria provided. Collection method: clinical testing. Allele origin: unknown. Not counted in ClinVar's aggregate classification.

Department of Pathology and Laboratory Medicine, Sinai Health System
Classification: Likely benign for Malignant tumor of breast. Review status: no assertion criteria provided. Collection method: clinical testing. Allele origin: unknown. Affected: yes. Study: The Canadian Open Genetics Repository (COGR). Not counted in ClinVar's aggregate classification.
Comment: The BRCA2 p.Val2687= variant was not identified in the literature nor was it identified in the LOVD 3.0, BIC Database, ARUP Laboratories, or Zhejiang Colon Cancer Databases. The variant was identified in dbSNP (ID: rs776992904) as With Likely benign allele, ClinVar (classified as likely benign by ENIGMA, Ambry Genetics, Invitae), Clinvitae (classified as likely benign ClinVar), the COGR (conflicting interpretations of pathogenicity), and UMD-LSDB (2X unclassified variant). The variant was identified in control databases in 1 of 246044 chromosomes at a frequency of 0.000004 (Genome Aggregation Consortium Feb 27, 2017). The p.Val2687= variant is not expected to have clinical significance because it does not result in a change of amino acid and is not located in a known consensus splice site. In addition, in silico or computational prediction software programs (SpliceSiteFinder, MaxEntScan, NNSPLICE, GeneSplicer, HumanSpliceFinder) do not predict a difference in splicing. In summary, based on the above information, the clinical significance of this variant cannot be determined with certainty at this time although we would lean towards a more benign role for this variant. This variant is classified as likely benign.

NM_000059.4(BRCA2):c.8061T>C (p.Val2687=)

Gene: BRCA2 (BRCA2 DNA repair associated; plus strand). Cytogenetic location: 13q13.1.
Variant type: single nucleotide variant.
Coding change: c.8061T>C on transcript NM_000059.4 (MANE Select); coding-DNA position 8061, T replaced by C.
Protein change: p.Val2687=; no amino-acid change (valine 2687 retained).
Molecular consequence: synonymous variant.
Genome position (GRCh38, 1-based): chr13:32,363,263, T>C. VCF-style: chr13-32363263-T-C. GRCh37 (hg19) VCF-style: chr13-32937400-T-C.
Identifiers: ClinVar variation 184776 (VCV000184776.33), dbSNP rs776992904, ClinGen allele CA025431.